The following is an entry in ClinVar:

ClinVar aggregate classification (germline): Conflicting classifications of pathogenicity. Review status: criteria provided, conflicting classifications (1 of 4 stars). 2 submissions from 2 submitters: Uncertain significance (1); Likely benign (1). Last evaluated 2025-08-13.

Conditions:
Intellectual developmental disorder, autosomal dominant 6, with or without seizures. Also called: Intellectual disability, autosomal dominant 6; GRIN2B-related developmental delay, intellectual disability and autism spectrum disorder. Identifiers: Orphanet 589547, MedGen C3151411, MONDO:0013509, OMIM 613970.
Developmental and epileptic encephalopathy, 27 (DEE27). Also called: Epileptic encephalopathy, early infantile, 27; GRIN2B-Related Neurodevelopmental Disorder. Identifiers: Orphanet 3451, MedGen C4015316, MONDO:0014505, OMIM 616139.

Allele frequency attached by ClinVar (database versions not stated): gnomAD exomes below 0.00001.
gnomAD v4.1: 1 of 1,614,098 alleles (0.000062%); highest among the groups gnomAD compares: Non-Finnish European, 0.000085%; no homozygotes.

Submissions (2):

Labcorp Genetics (formerly Invitae), Labcorp
Classification: Likely benign for Developmental and epileptic encephalopathy, 27; Intellectual developmental disorder, autosomal dominant 6, with or without seizures. Last evaluated: 2025-08-13. Review status: criteria provided, single submitter. Criteria: Invitae Variant Classification Sherloc (09022015). Collection method: clinical testing. Allele origin: germline.

GeneDx
Classification: Uncertain significance. Last evaluated: 2015-12-18. Review status: criteria provided, single submitter. Criteria: GeneDx Variant Classification (06012015). Collection method: clinical testing. Allele origin: germline. Affected: yes.
Comment: The c.876 A>G variant has not been published as a pathogenic variant, nor has it been reported as a benign variant to our knowledge. The c.876 A>G variant was not observed in approximately 6,500 individuals of European and African American ancestry in the NHLBI Exome Sequencing Project, indicating it is not a common benign variant in these populations. Several in-silico splice prediction models predict that c.876 A>G creates a cryptic donor site in exon 3 which may supplant the natural donor site and lead to abnormal gene splicing. However, in the absence of RNA/functional studies, the actual effect of this sequence change is unknown. Therefore, based on the currently available information, it is unclear whether this variant is a pathogenic variant or a rare benign variant.

NM_000834.5(GRIN2B):c.876A>G (p.Arg292=)

Gene: GRIN2B (glutamate ionotropic receptor NMDA type subunit 2B; minus strand). Cytogenetic location: 12p13.1.
Variant type: single nucleotide variant.
Coding change: c.876A>G on transcript NM_000834.5 (MANE Select); coding-DNA position 876, A replaced by G.
Protein change: p.Arg292=; no amino-acid change (arginine 292 retained).
Molecular consequence: synonymous variant.
Genome position (GRCh38, 1-based): chr12:13,753,451, T>C on the plus strand (A>G on the coding strand, the complement: GRIN2B is on the minus strand). VCF-style: chr12-13753451-T-C. GRCh37 (hg19) VCF-style: chr12-13906385-T-C.
Identifiers: ClinVar variation 234705 (VCV000234705.5), dbSNP rs876661173, ClinGen allele CA10577450.